The following is an entry in ClinVar:

ClinVar aggregate classification (germline): Conflicting classifications of pathogenicity. Review status: criteria provided, conflicting classifications (1 of 4 stars). 4 submissions from 4 submitters: Uncertain significance (3); Likely benign (1). Last evaluated 2025-05-06.

Conditions:
Hereditary cancer-predisposing syndrome. Also called: Neoplastic Syndromes, Hereditary; Tumor predisposition; Hereditary Cancer Syndrome; Hereditary neoplastic syndrome. Identifiers: Orphanet 140162, MedGen C0027672, MeSH D009386, MONDO:0015356.
Hereditary breast ovarian cancer syndrome. Also called: Hereditary breast and ovarian cancer syndrome; Hereditary breast and ovarian cancer; Hereditary breast and ovarian cancer syndrome (HBOC); Breast and ovarian cancer; Hereditary breast and/or ovarian cancer syndrome; BRCA1- and BRCA2-Associated Hereditary Breast and Ovarian Cancer. Identifiers: Orphanet 145, MedGen C0677776, MeSH D061325, MONDO:0003582. Disease mechanism: loss of function.

Allele frequency attached by ClinVar (database versions not stated): gnomAD exomes below 0.00001; ExAC 0.00001; TOPMed 0.00002.
gnomAD v4.1: 1 of 1,606,668 alleles (0.000062%); highest among the groups gnomAD compares: South Asian, 0.0011%; no homozygotes.

Submissions (4):

GeneDx
Classification: Uncertain significance. Last evaluated: 2025-05-06. Review status: criteria provided, single submitter. Criteria: GeneDx Variant Classification Process June 2021. Collection method: clinical testing. Allele origin: germline. Affected: yes.
Comment: Not observed at significant frequency in large population cohorts (gnomAD); In silico analysis suggests that this missense variant does not alter protein structure/function; Has not been previously published as pathogenic or benign to our knowledge; Also known as 6526C>A

Ambry Genetics
Classification: Uncertain significance for Hereditary cancer-predisposing syndrome. Last evaluated: 2025-04-18. Review status: criteria provided, single submitter. Criteria: Ambry Variant Classification Scheme 2023. Collection method: clinical testing. Allele origin: germline.
Comment: The p.Q2100K variant (also known as c.6298C>A), located in coding exon 10 of the BRCA2 gene, results from a C to A substitution at nucleotide position 6298. The glutamine at codon 2100 is replaced by lysine, an amino acid with similar properties. This amino acid position is not well conserved in available vertebrate species. In addition, this alteration is predicted to be tolerated by in silico analysis. Since supporting evidence is limited at this time, the clinical significance of this alteration remains unclear.

Labcorp Genetics (formerly Invitae), Labcorp
Classification: Uncertain significance for Hereditary breast ovarian cancer syndrome. Last evaluated: 2023-10-23. Review status: criteria provided, single submitter. Criteria: Invitae Variant Classification Sherloc (09022015). Collection method: clinical testing. Allele origin: germline.
Comment: This sequence change replaces glutamine, which is neutral and polar, with lysine, which is basic and polar, at codon 2100 of the BRCA2 protein (p.Gln2100Lys). This variant is present in population databases (rs746661607, gnomAD 0.003%). This variant has not been reported in the literature in individuals affected with BRCA2-related conditions. ClinVar contains an entry for this variant (Variation ID: 483017). Advanced modeling of protein sequence and biophysical properties (such as structural, functional, and spatial information, amino acid conservation, physicochemical variation, residue mobility, and thermodynamic stability) performed at Invitae indicates that this missense variant is not expected to disrupt BRCA2 protein function. In summary, the available evidence is currently insufficient to determine the role of this variant in disease. Therefore, it has been classified as a Variant of Uncertain Significance.

University of Washington Department of Laboratory Medicine, University of Washington
Classification: Likely benign for Hereditary cancer-predisposing syndrome. Last evaluated: 2023-03-23. Review status: criteria provided, single submitter. Criteria: Dines et al. (Genet Med. 2020). Collection method: curation. Allele origin: germline.
Comment: Missense variant in a coldspot region where missense variants are very unlikely to be pathogenic (PMID:31911673).

BRCA2 exon 11 coldspot. Reclassification based on statistical prior probability.

NM_000059.4(BRCA2):c.6298C>A (p.Gln2100Lys)

Gene: BRCA2 (BRCA2 DNA repair associated; plus strand). Cytogenetic location: 13q13.1.
Variant type: single nucleotide variant.
Coding change: c.6298C>A on transcript NM_000059.4 (MANE Select); coding-DNA position 6298, C replaced by A.
Protein change: p.Gln2100Lys; replaces glutamine 2100 with lysine.
Molecular consequence: missense variant.
Genome position (GRCh38, 1-based): chr13:32,340,653, C>A. VCF-style: chr13-32340653-C-A. GRCh37 (hg19) VCF-style: chr13-32914790-C-A.
Other names: short protein forms Q2100K.
Identifiers: ClinVar variation 483017 (VCV000483017.16), dbSNP rs746661607, ClinGen allele CA6940941.